The following is an entry in ClinVar:

NM_001999.4(FBN2):c.3968G>C (p.Cys1323Ser)

Gene: FBN2 (fibrillin 2; minus strand). Cytogenetic location: 5q23.3.
Variant type: single nucleotide variant.
Coding change: c.3968G>C on transcript NM_001999.4 (MANE Select); coding-DNA position 3968, G replaced by C.
Protein change: p.Cys1323Ser; replaces cysteine 1323 with serine.
Molecular consequence: missense variant.
Genome position (GRCh38, 1-based): chr5:128,335,175, C>G on the plus strand (G>C on the coding strand, the complement: FBN2 is on the minus strand). VCF-style: chr5-128335175-C-G. GRCh37 (hg19) VCF-style: chr5-127670867-C-G.
Other names: short protein forms C1323S.
Identifiers: ClinVar variation 1806068 (VCV001806068.1), dbSNP rs2479800482, ClinGen allele CA360757293.
Genomic context (GRCh38, chr5:128,335,175, plus strand): 5'-GTGGGTGTGTGTGCATGTGTGTGTATAAATGTTTATCCTTTCTTATGATACCCACCAATG[C>G]ATGTTTTCATGTCCATGGAAGCCATGAAGCCATCATAGCAGAGGCAGCGATACTCTCCAG-3'
Protein context (NP_001990.2, residues 1313-1333): GFMASMDMKT[Cys1323Ser]IDVNECDLNS

ClinVar aggregate classification (germline): Likely pathogenic (1 of 4 stars; one submission).

Conditions:
Congenital contractural arachnodactyly (CCA). Also called: BEALS SYNDROME; Arthrogryposis, distal, type 9; Beals-Hecht syndrome. Identifiers: Orphanet 115, MedGen C0220668, MONDO:0007363, OMIM 121050.

Submission:

Victorian Clinical Genetics Services, Murdoch Childrens Research Institute
Classification: Likely pathogenic for Congenital contractural arachnodactyly. Last evaluated: 2020-05-26. Review status: criteria provided, single submitter. Criteria: ACMG Guidelines, 2015. Collection method: clinical testing. Allele origin: germline. Inheritance: Autosomal dominant inheritance. Affected: yes.
Comment: Based on the classification scheme VCGS_Germline_v1.1.1, this variant is classified as likely pathogenic. Following criteria are met: 0102 - Loss-of-function is a known mechanism of disease for this gene. (N) 0107 - This gene is known to be associated with autosomal dominant disease. (N) 0200 - Variant is predicted to result in a missense amino acid change from cysteine to serine (exon 30). (N) 0251 - Variant is heterozygous. (N) 0301 - Variant is absent from gnomAD. (P) 0501 - Missense variant consistently predicted to be damaging by multiple in silico tools or highly conserved with a major amino acid change. (P) 0601 - Variant affects at least one well-established (essential) functional domain or motif (a disulphide bond within an EGF-like domain; Uniprot, PMID: 18767143). (P) 0704 - Comparable variant (p.Cys1323Gly) has low previous evidence for pathogenicity, and has been reported in a single family with congenital contractural arachnodactyly (ClinVar). (P) 0807 - Variant has not previously been reported in a clinical context. (N) 0905 - No segregation evidence has been identified for this variant. (N) 1007 - No published functional evidence has been identified for this variant. (N) 1102 - Strong phenotype match. (P) 1208 - Inheritance information for this variant is not currently available. (N) Legend: (P) - Pathogenic, (N) - Neutral, (B) - Benign

Literature cited by the submitters: PubMed 18767143.